The following is an entry in ClinVar:

NM_007294.4(BRCA1):c.5347A>G (p.Met1783Val)

Gene: BRCA1 (BRCA1 DNA repair associated; minus strand). Cytogenetic location: 17q21.31.
Variant type: single nucleotide variant.
Coding change: c.5347A>G on transcript NM_007294.4 (MANE Select); coding-DNA position 5347, A replaced by G.
Protein change: p.Met1783Val; replaces methionine 1783 with valine.
Molecular consequence: missense variant. On other transcripts: non-coding transcript variant (1), intron variant (1).
Genome position (GRCh38, 1-based): chr17:43,049,180, T>C on the plus strand (A>G on the coding strand, the complement: BRCA1 is on the minus strand). VCF-style: chr17-43049180-T-C. GRCh37 (hg19) VCF-style: chr17-41201197-T-C.
Other names: c.1891A>G, p.Met631Val (NM_001408469.1, NM_001408468.1, NM_001408470.1); c.5134A>G, p.Met1712Val (NM_001407571.1, NM_001407898.1, NM_001407899.1 and 12 more transcripts); c.5413A>G, p.Met1805Val (NM_001407581.1, NM_001407582.1); c.5410A>G, p.Met1804Val (NM_001407583.1, NM_001407585.1, NM_001407587.1 and 1 more transcripts); c.5407A>G, p.Met1803Val (NM_001407590.1, NM_001407591.1); c.5347A>G, p.Met1783Val (NM_001407593.1, NM_001407594.1, NM_001407596.1 and 5 more transcripts); c.5344A>G, p.Met1782Val (NM_001407610.1, NM_001407621.1, NM_001407622.1 and 14 more transcripts); c.5341A>G, p.Met1781Val (NM_001407627.1, NM_001407628.1, NM_001407629.1 and 13 more transcripts); and 73 more; short protein forms M1783V, M679V, M1736V, M1804V, M1654V, M1655V, M1656V, M1672V.
Identifiers: ClinVar variation 531270 (VCV000531270.14), dbSNP rs80357012, ClinGen allele CA10590769.

ClinVar aggregate classification (germline): Conflicting classifications of pathogenicity. Review status: criteria provided, conflicting classifications (1 of 4 stars). 3 submissions from 3 submitters: Uncertain significance (2); Likely benign (1). Last evaluated 2024-04-12.

Conditions:
Hereditary breast ovarian cancer syndrome. Also called: Breast and ovarian cancer; Hereditary breast and/or ovarian cancer syndrome; BRCA1- and BRCA2-Associated Hereditary Breast and Ovarian Cancer; Hereditary breast and ovarian cancer syndrome; Hereditary breast and ovarian cancer syndrome (HBOC); Hereditary breast and ovarian cancer. Identifiers: Orphanet 145, MedGen C0677776, MeSH D061325, MONDO:0003582. Disease mechanism: loss of function.
Breast-ovarian cancer, familial, susceptibility to, 1 (BROVCA1). Also called: BRCA1 Hereditary Breast and Ovarian Cancer; OVARIAN CANCER, SUSCEPTIBILITY TO. Identifiers: Orphanet 145, MedGen C2676676, MONDO:0011450, OMIM 604370. Disease mechanism: loss of function.

Submissions (4):

Lupski Lab, Baylor-Hopkins CMG, Baylor College of Medicine
Classification: Likely benign for Breast-ovarian cancer, familial, susceptibility to, 1. Last evaluated: 2024-04-12. Review status: criteria provided, single submitter. Criteria: Dawood et al. (medRxiv. 2024). Collection method: curation. Allele origin: germline.
Comment: Each variant was annotated with functional scores from MAVE data which was translated into functional evidence codes. All other evidence codes and combining criteria were adhered to as closely as possible based on the ClinGen VCEP (Variant Curation Expert Panel) gene-specific recommendations. See Supplemental Figure 34 of final paper (Supp Fig. 28 in preprint: doi:10.1101/2024.04.11.24305690) for a table to see which lines of evidence we did not have data for. The ClinGen VCEPs are highly regarded as the gold-standard for gene-specific variant curation and are developed after extensive evaluation of the evidence by clinical and scientific experts for the particular gene to classify genomic variants on a spectrum from pathogenic to benign using the 2015 ACMG/AMP Variant Interpretation Guidelines as a backbone (PMID: 25741868). Reclassification of these VUS variants from gnomAD or All of Us focused only on variants originally prescribed as VUS in ClinVar. To ensure reproducibility, transparency, and increased throughput, all the procedures for annotating variants and assigning evidence codes were codified using Python. All code has been made freely available and is linked in the Code Availability section and all reclassified variants with evidence codes used can be found in Tables S18-19 (preprint: doi:10.1101/2024.04.11.24305690). For the MAVE data, the clinical curation and clinical strength assignment as per the ClinGen recommendations in Brnich et al. (2020) (PMID: 31892348) for or against pathogenicity or benignity of each of these MAVE datasets utilized in this study were previously published in Fayer et al. (2021) (PMID: 34793697).In brief, for BRCA1 variants, if a variant was categorized as FUNC (functional), it was assigned BS3 evidence and no PS3 evidence, whereas if it was categorized as LOF (loss of function), the variant was assigned PS3 evidence and no BS3 evidence. Variants categorized as INT (intermediate) were left unannotated. For the BRCA1 combining criteria, greater than or equal to 1 criteria of strong benign evidence was enough to reclassify the VUS as Likely Benign. This variant GRCh37:17:41201197:T>C was assigned evidence codes ['BS3', 'BP4'] and an overall classification of Likely Benign

Labcorp Genetics (formerly Invitae), Labcorp
Classification: Uncertain significance for Hereditary breast ovarian cancer syndrome. Last evaluated: 2024-04-03. Review status: criteria provided, single submitter. Criteria: Invitae Variant Classification Sherloc (09022015). Collection method: clinical testing. Allele origin: germline.
Comment: This sequence change replaces methionine, which is neutral and non-polar, with valine, which is neutral and non-polar, at codon 1783 of the BRCA1 protein (p.Met1783Val). This variant is present in population databases (no rsID available, gnomAD 0.003%). This missense change has been observed in individual(s) with clinical features of BRCA1-related conditions (PMID: 34621001). This variant is also known as p.Met1804Val. ClinVar contains an entry for this variant (Variation ID: 531270). Advanced modeling performed at Invitae incorporating data from internal and/or published experimental studies (PMID: 30209399) indicates that this missense variant is not expected to disrupt BRCA1 function with a negative predictive value of 95%. In summary, the available evidence is currently insufficient to determine the role of this variant in disease. Therefore, it has been classified as a Variant of Uncertain Significance.

All of Us Research Program, National Institutes of Health
Classification: Uncertain significance for Breast-ovarian cancer, familial, susceptibility to, 1. Last evaluated: 2023-12-13. Review status: criteria provided, single submitter. Criteria: ACMG Guidelines, 2015. Collection method: clinical testing. Allele origin: germline. Inheritance: Autosomal dominant inheritance. Observed: 1 variant allele, 1 heterozygote.
Comment: This missense variant replaces methionine with valine at codon 1783 of the BRCA1 protein. Computational prediction is inconclusive regarding the impact of this variant on protein structure and function. A functional study has reported that this variant does not impact BRCA1 function in a haploid cell proliferation assay (PMID: 30209399). This variant has been reported in two individuals affected with breast or ovarian cancer (PMID: 28664449, 34235180). This variant has been identified in 1/251446 chromosomes in the general population by the Genome Aggregation Database (gnomAD). The available evidence is insufficient to determine the role of this variant in disease conclusively. Therefore, this variant is classified as a Variant of Uncertain Significance.

This study involves interpretation of variants in research participants for the purpose of population health screening. Participant phenotype was not available at the time of variant classification. Additional details can be found in publication PMID: 35346344, PMCID: PMC8962531

Brotman Baty Institute, University of Washington
No classification provided (evidence only). Condition: Breast-ovarian cancer, familial 1. Review status: no classification provided. Collection method: in vitro. Allele origin: not applicable. Functional consequence: functionally_normal. Not counted in ClinVar's aggregate classification.
ClinVar note: "not provided" was previously submitted as the classification for the variant. However, the classification appeared to be based only on an observation of functional data so it was converted to no classification on 2025-07-30.

Literature cited by the submitters: PubMed 39142283 (cited by Lupski Lab, Baylor-Hopkins CMG, Baylor College of Medicine); PubMed 34793697 (cited by Lupski Lab, Baylor-Hopkins CMG, Baylor College of Medicine); DOI 10.1101/2024.04.11.24305690 (cited by Lupski Lab, Baylor-Hopkins CMG, Baylor College of Medicine); PubMed 34621001 (cited by Labcorp Genetics (formerly Invitae), Labcorp); PubMed 30209399 (cited by Labcorp Genetics (formerly Invitae), Labcorp and All of Us Research Program, National Institutes of Health); PubMed 28664449 (cited by All of Us Research Program, National Institutes of Health); PubMed 34235180 (cited by All of Us Research Program, National Institutes of Health).